The following is an entry in ClinVar:

NM_000088.4(COL1A1):c.1845G>T (p.Glu615Asp)

Gene: COL1A1 (collagen type I alpha 1 chain; minus strand). Cytogenetic location: 17q21.33.
Variant type: single nucleotide variant.
Coding change: c.1845G>T on transcript NM_000088.4 (MANE Select); coding-DNA position 1845, G replaced by T.
Protein change: p.Glu615Asp; replaces glutamic acid 615 with aspartic acid.
Molecular consequence: missense variant.
Genome position (GRCh38, 1-based): chr17:50,192,827, C>A on the plus strand (G>T on the coding strand, the complement: COL1A1 is on the minus strand). VCF-style: chr17-50192827-C-A. GRCh37 (hg19) VCF-style: chr17-48270188-C-A.
Other names: short protein forms E615D.
Identifiers: ClinVar variation 1702169 (VCV001702169.8), dbSNP rs769791947, ClinGen allele CA8645061.

ClinVar aggregate classification (germline): Conflicting classifications of pathogenicity. Review status: criteria provided, conflicting classifications (1 of 4 stars). 4 submissions from 4 submitters: Uncertain significance (3); Likely benign (1). Last evaluated 2025-08-25.

Conditions:
Ehlers-Danlos syndrome (EDS). Identifiers: Orphanet 98249, MedGen C0013720, MONDO:0020066.
COL1A1-related disorder. Also called: COL1A1-related condition; COL1A1- related disease.
Osteogenesis imperfecta type I (OI1). Also called: OI, TYPE I; OSTEOGENESIS IMPERFECTA TARDA; OSTEOGENESIS IMPERFECTA WITH BLUE SCLERAE; Osteogenesis imperfecta type 1; Lobstein's Disease; Lobstein disease. Identifiers: Orphanet 216796, Orphanet 666, MedGen C0023931, MONDO:0008146, OMIM 166200. Disease mechanism: loss of function.

Allele frequency attached by ClinVar (database versions not stated): gnomAD exomes 0.00001 and 0.00002; ExAC 0.00002.
gnomAD v4.1: 25 of 1,614,062 alleles (0.0015%); highest among the groups gnomAD compares: Non-Finnish European, 0.0021%; no homozygotes.

Submissions (4):

Labcorp Genetics (formerly Invitae), Labcorp
Classification: Likely benign for Osteogenesis imperfecta type I. Last evaluated: 2025-08-25. Review status: criteria provided, single submitter. Criteria: Invitae Variant Classification Sherloc (09022015). Collection method: clinical testing. Allele origin: germline.

GeneDx
Classification: Uncertain significance. Last evaluated: 2025-08-05. Review status: criteria provided, single submitter. Criteria: GeneDx Variant Classification Process June 2021. Collection method: clinical testing. Allele origin: germline. Affected: yes.
Comment: Not observed at significant frequency in large population cohorts (gnomAD); In silico analysis suggests that this missense variant does not alter protein structure/function; Occurs in the triple helical domain at the X position in the canonical Gly-X-Y repeat; although this variant may have an effect on normal protein folding and function, missense substitution at the X position is not a common mechanism of disease (HGMD); Has not been previously published as pathogenic or benign to our knowledge

PreventionGenetics, part of Exact Sciences
Classification: Uncertain significance for COL1A1-related condition. Last evaluated: 2023-06-29. Review status: criteria provided, single submitter. Criteria: ACMG Guidelines, 2015. Collection method: clinical testing. Allele origin: germline.
Comment: The COL1A1 c.1845G>T variant is predicted to result in the amino acid substitution p.Glu615Asp. To our knowledge, this variant has not been reported in the literature. This variant is reported in 0.0018% of alleles in individuals of European (Non-Finnish) descent in gnomAD. At this time, the clinical significance of this variant is uncertain due to the absence of conclusive functional and genetic evidence.

Genome Diagnostics Laboratory, The Hospital for Sick Children
Classification: Uncertain significance for Ehlers-Danlos syndrome. Last evaluated: 2021-01-06. Review status: criteria provided, single submitter. Criteria: ACMG Guidelines, 2015. Collection method: clinical testing. Allele origin: germline.